The following is an entry in ClinVar:

NM_012434.5(SLC17A5):c.43G>T (p.Glu15Ter)

Genes: SLC17A5 (solute carrier family 17 member 5; minus strand), LOC129996727 (ATAC-STARR-seq lymphoblastoid silent region 17338; plus strand). Cytogenetic location: 6q13.
Variant type: single nucleotide variant.
Coding change: c.43G>T on transcript NM_012434.5 (MANE Select); coding-DNA position 43, G replaced by T.
Protein change: p.Glu15Ter; replaces glutamic acid 15 with a stop codon.
Molecular consequence: nonsense.
Genome position (GRCh38, 1-based): chr6:73,653,844, C>A on the plus strand (G>T on the coding strand, the complement: SLC17A5 is on the minus strand). VCF-style: chr6-73653844-C-A. GRCh37 (hg19) VCF-style: chr6-74363567-C-A.
Other names: short protein forms E15*.
Identifiers: ClinVar variation 167694 (VCV000167694.21), dbSNP rs727504157, ClinGen allele CA234946.

ClinVar aggregate classification (germline): Pathogenic/Likely pathogenic. Review status: criteria provided, multiple submitters, no conflicts (2 of 4 stars). 8 submissions from 8 submitters: Pathogenic (4); Likely pathogenic (4). Last evaluated 2026-01-11.

Conditions:
Salla disease (SD). Also called: Sialuria, Finnish type; N-acetylneuraminic acid (NANA) storage disease (NSD); Infantile sialic acid storage disorder (ISSD); Less Severe FSASD (Salla Disease). Identifiers: Orphanet 309334, Orphanet 834, MedGen C1096903, MONDO:0011449, OMIM 604369.
Sialic acid storage disease, severe infantile type (ISSD). Also called: SIALURIA, INFANTILE FORM; N-ACETYLNEURAMINIC ACID STORAGE DISEASE; NANA STORAGE DISEASE; INFANTILE SIALIC ACID STORAGE DISORDER; Free sialic acid storage disease, infantile form; Infantile Sialic Acid Storage Disease. Identifiers: Orphanet 309324, Orphanet 834, MedGen C1096902, MONDO:0010027, OMIM 269920.

Allele frequency attached by ClinVar (database versions not stated): gnomAD exomes below 0.00001 and 0.00003; TOPMed 0.00002.
gnomAD v4.1: 41 of 1,606,778 alleles (0.0026%); highest among the groups gnomAD compares: Non-Finnish European, 0.0032%; no homozygotes.

Submissions (8):

Labcorp Genetics (formerly Invitae), Labcorp
Classification: Pathogenic for Salla disease. Last evaluated: 2026-01-11. Review status: criteria provided, single submitter. Criteria: Invitae Variant Classification Sherloc (09022015). Collection method: clinical testing. Allele origin: germline.
Comment: This sequence change creates a premature translational stop signal (p.Glu15*) in the SLC17A5 gene. It is expected to result in an absent or disrupted protein product. Loss-of-function variants in SLC17A5 are known to be pathogenic (PMID: 10581036, 10947946, 15172001). The frequency data for this variant in the population databases is considered unreliable, as metrics indicate poor data quality at this position in the gnomAD database. This variant has not been reported in the literature in individuals affected with SLC17A5-related conditions. ClinVar contains an entry for this variant (Variation ID: 167694). For these reasons, this variant has been classified as Pathogenic.

GeneDx
Classification: Pathogenic. Last evaluated: 2025-09-28. Review status: criteria provided, single submitter. Criteria: GeneDx Variant Classification Process June 2021. Collection method: clinical testing. Allele origin: germline. Affected: yes.
Comment: Not observed at significant frequency in large population cohorts (gnomAD); Nonsense variant predicted to result in protein truncation or nonsense mediated decay in a gene for which loss of function is a known mechanism of disease; This variant is associated with the following publications: (PMID: 10947946, 15172001, 10581036, , 33149276)

Natera, Inc.
Classification: Likely pathogenic for Salla disease. Last evaluated: 2025-07-22. Review status: criteria provided, single submitter. Criteria: Natera Variant Classification Schema (03/2026). Collection method: clinical testing. Allele origin: germline.
Comment: The c.43G>T variant in SLC17A5 is a nonsense variant predicted to introduce a stop codon at amino acid 15. This variant is expected to result in nonsense mediated decay, truncation, or a dysfunctional protein product. This variant is rare in the general population with a frequency below the threshold expected for the associated phenotype(s). Given the available evidence, this variant is classified as Likely Pathogenic.

Fulgent Genetics
Classification: Likely pathogenic for Sialic acid storage disease, severe infantile type; Salla disease. Last evaluated: 2024-03-26. Review status: criteria provided, single submitter. Criteria: ACMG Guidelines, 2015. Collection method: clinical testing. Allele origin: germline.

Baylor Genetics
Classification: Likely pathogenic for Salla disease. Last evaluated: 2024-01-28. Review status: criteria provided, single submitter. Criteria: ACMG Guidelines, 2015. Collection method: clinical testing. Allele origin: unknown.

Genome-Nilou Lab
Classification: Pathogenic for Salla disease. Last evaluated: 2021-09-05. Review status: criteria provided, single submitter. Criteria: ACMG Guidelines, 2015. Collection method: clinical testing. Allele origin: germline. Affected: no.

Women's Health and Genetics/Laboratory Corporation of America, LabCorp
Classification: Likely pathogenic for Salla disease. Last evaluated: 2020-10-08. Review status: criteria provided, single submitter. Criteria: LabCorp Variant Classification Summary - May 2015. Collection method: clinical testing. Allele origin: germline.
Comment: Variant summary: SLC17A5 c.43G>T (p.Glu15X) results in a premature termination codon, predicted to cause a truncation of the encoded protein or absence of the protein due to nonsense mediated decay, which are commonly known mechanisms for disease. The variant allele was found at a frequency of 4.3e-06 in 231368 control chromosomes. To our knowledge, no occurrence of c.43G>T in individuals affected with Sialic Acid Storage Disorder and no experimental evidence demonstrating its impact on protein function have been reported. No clinical diagnostic laboratories have submitted clinical-significance assessments for this variant to ClinVar after 2014. Based on the evidence outlined above, the variant was classified as likely pathogenic.

Eurofins Ntd Llc (ga)
Classification: Pathogenic. Last evaluated: 2013-12-11. Review status: criteria provided, single submitter. Criteria: EGL Classification Definitions 2015. Collection method: clinical testing. Allele origin: germline. Observed: 2 variant alleles, 2 heterozygotes.

Literature cited by the submitters: PubMed 10581036 (cited by Labcorp Genetics (formerly Invitae), Labcorp); PubMed 10947946 (cited by Labcorp Genetics (formerly Invitae), Labcorp); PubMed 15172001 (cited by Labcorp Genetics (formerly Invitae), Labcorp).